The following is an entry in ClinVar:

ClinVar aggregate classification (germline): Uncertain significance. Review status: criteria provided, multiple submitters, no conflicts (2 of 4 stars). 2 submissions from 2 submitters: Uncertain significance (2). Last evaluated 2024-02-19.

Conditions:
Arrhythmogenic right ventricular dysplasia 13. Also called: ARRHYTHMOGENIC RIGHT VENTRICULAR CARDIOMYOPATHY 13; Arrhythmogenic right ventricular dysplasia, familial, 13. Identifiers: MedGen C3810138, MONDO:0000908, OMIM 615616.

Allele frequency attached by ClinVar (database versions not stated): gnomAD exomes below 0.00001; TOPMed below 0.00001.
gnomAD v4.1: 1 of 1,613,948 alleles (0.000062%); highest among the groups gnomAD compares: Non-Finnish European, 0.000085%; no homozygotes.

Submissions (2):

Labcorp Genetics (formerly Invitae), Labcorp
Classification: Uncertain significance for Arrhythmogenic right ventricular dysplasia 13. Last evaluated: 2024-02-19. Review status: criteria provided, single submitter. Criteria: Invitae Variant Classification Sherloc (09022015). Collection method: clinical testing. Allele origin: germline.
Comment: This sequence change replaces serine, which is neutral and polar, with proline, which is neutral and non-polar, at codon 318 of the CTNNA3 protein (p.Ser318Pro). This variant is not present in population databases (gnomAD no frequency). This variant has not been reported in the literature in individuals affected with CTNNA3-related conditions. ClinVar contains an entry for this variant (Variation ID: 581999). Advanced modeling of protein sequence and biophysical properties (such as structural, functional, and spatial information, amino acid conservation, physicochemical variation, residue mobility, and thermodynamic stability) performed at Invitae indicates that this missense variant is not expected to disrupt CTNNA3 protein function with a negative predictive value of 80%. In summary, the available evidence is currently insufficient to determine the role of this variant in disease. Therefore, it has been classified as a Variant of Uncertain Significance.

Revvity Omics, Revvity
Classification: Uncertain significance for Arrhythmogenic right ventricular dysplasia 13. Last evaluated: 2019-05-09. Review status: criteria provided, single submitter. Criteria: ACMG Guidelines, 2015. Collection method: clinical testing. Allele origin: germline.

NM_013266.4(CTNNA3):c.952T>C (p.Ser318Pro)

Gene: CTNNA3 (catenin alpha 3; minus strand). Cytogenetic location: 10q21.3.
Variant type: single nucleotide variant.
Coding change: c.952T>C on transcript NM_013266.4 (MANE Select); coding-DNA position 952, T replaced by C.
Protein change: p.Ser318Pro; replaces serine 318 with proline.
Molecular consequence: missense variant.
Genome position (GRCh38, 1-based): chr10:67,180,412, A>G on the plus strand (T>C on the coding strand, the complement: CTNNA3 is on the minus strand). VCF-style: chr10-67180412-A-G. GRCh37 (hg19) VCF-style: chr10-68940170-A-G.
Other names: c.952T>C, p.Ser318Pro (NM_001127384.3); c.988T>C, p.Ser330Pro (NM_001291133.2); c.952T>C (NM_013266.2); short protein forms S318P, S330P.
Identifiers: ClinVar variation 581999 (VCV000581999.12), dbSNP rs1564948470, ClinGen allele CA377096902.